The following is an entry in ClinVar:

ClinVar aggregate classification (germline): Uncertain significance (1 of 4 stars; one submission).

Submission:

GeneDx
Classification: Uncertain significance. Last evaluated: 2025-08-06. Review status: criteria provided, single submitter. Criteria: GeneDx Variant Classification Process June 2021. Collection method: clinical testing. Allele origin: germline. Affected: yes.
Comment: Not observed at significant frequency in large population cohorts (gnomAD); In silico analysis suggests that this missense variant does not alter protein structure/function; Has not been previously published as pathogenic or benign to our knowledge

NM_000809.4(GABRA4):c.651G>C (p.Glu217Asp)

Gene: GABRA4 (gamma-aminobutyric acid type A receptor subunit alpha4; minus strand). Cytogenetic location: 4p12.
Variant type: single nucleotide variant.
Coding change: c.651G>C on transcript NM_000809.4 (MANE Select); coding-DNA position 651, G replaced by C.
Protein change: p.Glu217Asp; replaces glutamic acid 217 with aspartic acid.
Molecular consequence: missense variant.
Genome position (GRCh38, 1-based): chr4:46,974,302, C>G on the plus strand (G>C on the coding strand, the complement: GABRA4 is on the minus strand). VCF-style: chr4-46974302-C-G. GRCh37 (hg19) VCF-style: chr4-46976319-C-G.
Other names: c.594G>C, p.Glu198Asp (NM_001204266.2, NM_001204267.2); short protein forms E198D, E217D.
Identifiers: ClinVar variation 4755977 (VCV004755977.1).
Genomic context (GRCh38, chr4:46,974,302, plus strand): 5'-TTTGATGGTTTCACTTGATACGGTTTGCCCAATCAAATCATATTGAACTAAGCTGGAAGA[C>G]TCCTTCGGAACTTCAACTGATTTCTCAGGACCTTTTGTCCAGGTATAGATCATCTCACTC-3'
Protein context (NP_000800.2, residues 207-227): GPEKSVEVPK[Glu217Asp]SSSLVQYDLI